The following is an entry in ClinVar:

ClinVar aggregate classification (germline): Uncertain significance. Review status: criteria provided, multiple submitters, no conflicts (2 of 4 stars). 2 submissions from 2 submitters: Uncertain significance (2). Last evaluated 2025-03-30.

Conditions:
RYR1-related disorder. Also called: RYR1-related condition; RYR1-related disorders. Identifiers: MedGen CN239331.

Allele frequency attached by ClinVar (database versions not stated): gnomAD exomes 0.00001.
gnomAD v4.1: 9 of 1,613,794 alleles (0.00056%); highest among the groups gnomAD compares: Non-Finnish European, 0.00076%; no homozygotes.

Submissions (2):

GeneDx
Classification: Uncertain significance. Last evaluated: 2025-03-30. Review status: criteria provided, single submitter. Criteria: GeneDx Variant Classification Process June 2021. Collection method: clinical testing. Allele origin: germline. Affected: yes.
Comment: Not observed at significant frequency in large population cohorts (gnomAD); In silico analysis supports that this missense variant has a deleterious effect on protein structure/function; Has not been previously published as pathogenic or benign to our knowledge

Labcorp Genetics (formerly Invitae), Labcorp
Classification: Uncertain significance for RYR1-related disorder. Last evaluated: 2022-12-30. Review status: criteria provided, single submitter. Criteria: Invitae Variant Classification Sherloc (09022015). Collection method: clinical testing. Allele origin: germline.
Comment: In summary, the available evidence is currently insufficient to determine the role of this variant in disease. Therefore, it has been classified as a Variant of Uncertain Significance. Algorithms developed to predict the effect of missense changes on protein structure and function are either unavailable or do not agree on the potential impact of this missense change (SIFT: "Deleterious"; PolyPhen-2: "Benign"; Align-GVGD: "Class C0"). This missense change has been observed in individual(s) with clinical features of autosomal recessive congenital myopathy (Invitae). In at least one individual the data is consistent with being in trans (on the opposite chromosome) from a pathogenic variant. This variant is not present in population databases (gnomAD no frequency). This sequence change replaces aspartic acid, which is acidic and polar, with tyrosine, which is neutral and polar, at codon 4005 of the RYR1 protein (p.Asp4005Tyr).

NM_000540.3(RYR1):c.12013G>T (p.Asp4005Tyr)

Gene: RYR1 (ryanodine receptor 1; plus strand). Cytogenetic location: 19q13.2.
Variant type: single nucleotide variant.
Coding change: c.12013G>T on transcript NM_000540.3 (MANE Select); coding-DNA position 12013, G replaced by T.
Protein change: p.Asp4005Tyr; replaces aspartic acid 4005 with tyrosine.
Molecular consequence: missense variant.
Genome position (GRCh38, 1-based): chr19:38,546,445, G>T. VCF-style: chr19-38546445-G-T. GRCh37 (hg19) VCF-style: chr19-39037085-G-T.
Other names: c.11998G>T, p.Asp4000Tyr (NM_001042723.2); short protein forms D4000Y, D4005Y.
Identifiers: ClinVar variation 2835589 (VCV002835589.4), dbSNP rs761807342, ClinGen allele CA405663709.